The following is an entry in ClinVar:

NM_001267550.2(TTN):c.8525T>C (p.Leu2842Pro)

Gene: TTN (titin; minus strand). Cytogenetic location: 2q31.2.
Variant type: single nucleotide variant.
Coding change: c.8525T>C on transcript NM_001267550.2 (MANE Select); coding-DNA position 8525, T replaced by C.
Protein change: p.Leu2842Pro; replaces leucine 2842 with proline.
Molecular consequence: missense variant.
Genome position (GRCh38, 1-based): chr2:178,770,176, A>G on the plus strand (T>C on the coding strand, the complement: TTN is on the minus strand). VCF-style: chr2-178770176-A-G. GRCh37 (hg19) VCF-style: chr2-179634903-A-G.
Other names: c.8525T>C, p.Leu2842Pro (NM_001256850.1, NM_133378.4, NM_133379.5); c.8387T>C, p.Leu2796Pro (NM_003319.4, NM_133432.3, NM_133437.4); short protein forms L2796P, L2842P.
Identifiers: ClinVar variation 4681564 (VCV004681564.6).

ClinVar aggregate classification (germline): Uncertain significance. Review status: criteria provided, multiple submitters, no conflicts (2 of 4 stars). 2 submissions from 2 submitters: Uncertain significance (2). Last evaluated 2025-12-01.

Conditions:
TTN-related disorder. Also called: TTN-related condition; TTN-related disease; TTN-related disorders.

gnomAD v4.1: 14 of 1,614,160 alleles (0.00087%); highest among the groups gnomAD compares: Admixed American, 0.015%; no homozygotes.

Submissions (2):

CeGaT Center for Human Genetics Tuebingen
Classification: Uncertain significance. Last evaluated: 2025-12-01. Review status: criteria provided, single submitter. Criteria: CeGaT Center For Human Genetics Tuebingen Variant Classification Criteria Version 2. Collection method: clinical testing. Allele origin: germline. Affected: yes. Observed: 1 variant allele.

PreventionGenetics, part of Exact Sciences
Classification: Uncertain significance for TTN-related condition. Last evaluated: 2025-11-05. Review status: criteria provided, single submitter. Criteria: ACMG Guidelines, 2015. Collection method: clinical testing. Allele origin: germline.
Comment: The TTN c.8525T>C variant is predicted to result in the amino acid substitution p.Leu2842Pro. This variant was reported as maternally inherited in an individual with developmental delay, intellectual disability, and hypertrophic cardiomyopathy, who also carried an additional variant explaining the phenotypes (Støve et al. 2018. PubMed ID: 29748569). This variant is reported in 0.017% of alleles in individuals of Latino descent in gnomAD. At this time, the clinical significance of this variant is uncertain due to the absence of conclusive functional and genetic evidence.